The following is an entry in ClinVar:

NM_015272.5(RPGRIP1L):c.3818T>C (p.Ile1273Thr)

Gene: RPGRIP1L (RPGRIP1 like; minus strand). Cytogenetic location: 16q12.2.
Variant type: single nucleotide variant.
Coding change: c.3818T>C on transcript NM_015272.5 (MANE Select); coding-DNA position 3818, T replaced by C.
Protein change: p.Ile1273Thr; replaces isoleucine 1273 with threonine.
Molecular consequence: missense variant.
Genome position (GRCh38, 1-based): chr16:53,605,498, A>G on the plus strand (T>C on the coding strand, the complement: RPGRIP1L is on the minus strand). VCF-style: chr16-53605498-A-G. GRCh37 (hg19) VCF-style: chr16-53639410-A-G.
Other names: c.3818T>C (NM_015272.2, NM_015272.4); c.3578T>C, p.Ile1193Thr (NM_001127897.4); c.3680T>C, p.Ile1227Thr (NM_001308334.3); c.3716T>C, p.Ile1239Thr (NM_001330538.2); short protein forms I1273T, I1227T, I1239T, I1193T.
Identifiers: ClinVar variation 1444639 (VCV001444639.10), dbSNP rs764832127, ClinGen allele CA8057175.

ClinVar aggregate classification (germline): Uncertain significance. Review status: criteria provided, multiple submitters, no conflicts (2 of 4 stars). 4 submissions from 4 submitters: Uncertain significance (4). Last evaluated 2026-02-03.

Conditions:
COACH syndrome 3. Identifiers: MedGen C5436841, MONDO:0030862, OMIM 619113.
Meckel syndrome, type 5 (MKS5). Identifiers: Orphanet 564, MedGen C1969052, MONDO:0012695, OMIM 611561.
Joubert syndrome 7 (JBTS7). Identifiers: Orphanet 220497, MedGen C1969053, MONDO:0012694, OMIM 611560.
RPGRIP1L-related disorder. Also called: RPGRIP1L-related disorders; RPGRIP1L-related condition. Identifiers: MedGen CN239416.
Inborn genetic diseases. Identifiers: MedGen C0950123, MeSH D030342.
Meckel-Gruber syndrome. Also called: DYSENCEPHALIA SPLANCHNOCYSTICA; GRUBER SYNDROME; Dysencephalia splachnocystica. Identifiers: Orphanet 564, MedGen C0265215, MONDO:0018921.
Joubert syndrome. Also called: JOUBERT-BOLTSHAUSER SYNDROME; Familial aplasia of the vermis. Identifiers: Orphanet 475, MedGen C5979921, MONDO:0018772.

Allele frequency attached by ClinVar (database versions not stated): gnomAD 0.00001; gnomAD exomes 0.00001 and 0.00002; TOPMed 0.00001; ExAC 0.00002.
gnomAD v4.1: 18 of 1,614,046 alleles (0.0011%); highest among the groups gnomAD compares: Middle Eastern, 0.033%; no homozygotes.

Submissions (4):

PreventionGenetics, part of Exact Sciences
Classification: Uncertain significance for RPGRIP1L-related condition. Last evaluated: 2026-02-03. Review status: criteria provided, single submitter. Criteria: ACMG Guidelines, 2015. Collection method: clinical testing. Allele origin: germline.
Comment: The RPGRIP1L c.3818T>C variant is predicted to result in the amino acid substitution p.Ile1273Thr. To our knowledge, this variant has not been reported in the literature. This variant is reported in 0.0029% of alleles in individuals of Latino descent in gnomAD. At this time, the clinical significance of this variant is uncertain due to the absence of conclusive functional and genetic evidence.

Ambry Genetics
Classification: Uncertain significance for Inborn genetic diseases. Last evaluated: 2022-10-06. Review status: criteria provided, single submitter. Criteria: Ambry Variant Classification Scheme 2023. Collection method: clinical testing. Allele origin: germline.

Labcorp Genetics (formerly Invitae), Labcorp
Classification: Uncertain significance for Joubert syndrome; Meckel-Gruber syndrome. Last evaluated: 2022-06-05. Review status: criteria provided, single submitter. Criteria: Invitae Variant Classification Sherloc (09022015). Collection method: clinical testing. Allele origin: germline.
Comment: This sequence change replaces isoleucine, which is neutral and non-polar, with threonine, which is neutral and polar, at codon 1273 of the RPGRIP1L protein (p.Ile1273Thr). This variant is present in population databases (rs764832127, gnomAD 0.003%). This variant has not been reported in the literature in individuals affected with RPGRIP1L-related conditions. ClinVar contains an entry for this variant (Variation ID: 1444639). Algorithms developed to predict the effect of missense changes on protein structure and function are either unavailable or do not agree on the potential impact of this missense change (SIFT: "Deleterious"; PolyPhen-2: "Benign"; Align-GVGD: "Class C0"). In summary, the available evidence is currently insufficient to determine the role of this variant in disease. Therefore, it has been classified as a Variant of Uncertain Significance.

Fulgent Genetics
Classification: Uncertain significance for Joubert syndrome 7; Meckel syndrome, type 5; COACH syndrome 3. Last evaluated: 2021-08-23. Review status: criteria provided, single submitter. Criteria: ACMG Guidelines, 2015. Collection method: clinical testing. Allele origin: unknown.